The following is an entry in ClinVar:

ClinVar aggregate classification (germline): Uncertain significance. Review status: criteria provided, multiple submitters, no conflicts (2 of 4 stars). 2 submissions from 2 submitters: Uncertain significance (2). Last evaluated 2024-09-24.

Conditions:
Cardiovascular phenotype. Identifiers: MedGen CN230736.
Long QT syndrome (LQTS). Identifiers: MedGen C0023976, MeSH D008133, MONDO:0002442. Disease mechanism: loss of function. Inheritance: Various modes of inheritance.

Allele frequency attached by ClinVar (database versions not stated): gnomAD exomes below 0.00001; TOPMed below 0.00001.
gnomAD v4.1: 4 of 1,613,744 alleles (0.00025%); highest among the groups gnomAD compares: South Asian, 0.0011%; no homozygotes.

Submissions (2):

Labcorp Genetics (formerly Invitae), Labcorp
Classification: Uncertain significance for Long QT syndrome. Last evaluated: 2024-09-24. Review status: criteria provided, single submitter. Criteria: Invitae Variant Classification Sherloc (09022015). Collection method: clinical testing. Allele origin: germline.
Comment: This sequence change replaces alanine, which is neutral and non-polar, with threonine, which is neutral and polar, at codon 1770 of the CACNA1C protein (p.Ala1770Thr). This variant is not present in population databases (gnomAD no frequency). This variant has not been reported in the literature in individuals affected with CACNA1C-related conditions. ClinVar contains an entry for this variant (Variation ID: 589758). Invitae Evidence Modeling of protein sequence and biophysical properties (such as structural, functional, and spatial information, amino acid conservation, physicochemical variation, residue mobility, and thermodynamic stability) indicates that this missense variant is not expected to disrupt CACNA1C protein function with a negative predictive value of 95%. In summary, the available evidence is currently insufficient to determine the role of this variant in disease. Therefore, it has been classified as a Variant of Uncertain Significance.

Ambry Genetics
Classification: Uncertain significance for Cardiovascular phenotype. Last evaluated: 2017-03-30. Review status: criteria provided, single submitter. Criteria: Ambry Variant Classification Scheme 2023. Collection method: clinical testing. Allele origin: germline.
Comment: The p.A1770T variant (also known as c.5308G>A), located in coding exon 42 of the CACNA1C gene, results from a G to A substitution at nucleotide position 5308. The alanine at codon 1770 is replaced by threonine, an amino acid with similar properties. This amino acid position is highly conserved in available vertebrate species. In addition, this alteration is predicted to be deleterious by in silico analysis. Since supporting evidence is limited at this time, the clinical significance of this alteration remains unclear.

NM_000719.7(CACNA1C):c.5308G>A (p.Ala1770Thr)

Genes: CACNA1C (calcium voltage-gated channel subunit alpha1 C; plus strand), CACNA1C-AS1 (CACNA1C antisense RNA 1; minus strand). Cytogenetic location: 12p13.33.
Variant type: single nucleotide variant.
Coding change: c.5308G>A on transcript NM_000719.7 (MANE Select); coding-DNA position 5308, G replaced by A.
Protein change: p.Ala1770Thr; replaces alanine 1770 with threonine.
Molecular consequence: missense variant.
Genome position (GRCh38, 1-based): chr12:2,679,660, G>A. VCF-style: chr12-2679660-G-A. GRCh37 (hg19) VCF-style: chr12-2788826-G-A.
Other names: c.5452G>A, p.Ala1818Thr (NM_001129827.2, NM_199460.4); c.5431G>A, p.Ala1811Thr (NM_001129829.2); c.5308G>A, p.Ala1770Thr (NM_001129830.3, NM_001129840.2, NM_001129841.2 and 4 more transcripts); c.5392G>A, p.Ala1798Thr (NM_001129831.2); c.5368G>A, p.Ala1790Thr (NM_001129832.2); c.5365G>A, p.Ala1789Thr (NM_001129833.2, NM_001129834.2, NM_001129835.2); c.5359G>A, p.Ala1787Thr (NM_001129836.2); c.5332G>A, p.Ala1778Thr (NM_001129837.2, NM_001129838.2); and 3 more; short protein forms A1770T, A1818T, A1767T, A1776T, A1790T, A1798T, A1789T, A1759T.
Identifiers: ClinVar variation 589758 (VCV000589758.12), dbSNP rs912150219, ClinGen allele CA231611140.